The following is an entry in ClinVar:

ClinVar aggregate classification (germline): Pathogenic (1 of 4 stars; one submission).

Conditions:
Neuromuscular disease caused by qualitative or quantitative defects of dystrophin. Also called: Qualitative or quantitative defects of dystrophin. Identifiers: Orphanet 207085, MedGen C5679787, MONDO:0016147.

Submission:

Women's Health and Genetics/Laboratory Corporation of America, LabCorp
Classification: Pathogenic for Neuromuscular disease caused by qualitative or quantitative defects of dystrophin. Last evaluated: 2021-05-13. Review status: criteria provided, single submitter. Criteria: LabCorp Variant Classification Summary - May 2015. Collection method: clinical testing. Allele origin: germline.
Comment: Variant summary: The variant identified by MLPA or other technology involves the deletion of exon 48 in the DMD gene. A presumed nomenclature of c.(6912+1_6913-1)_(7098+1_7099-1)del has been designated for the purposes of this classification. Although exact breakpoints of this deletion are not known, it is expected to result in a large in-frame deletion in the DMD gene, a known mechanism of disease. The variant was absent in approximately 16118 control chromosomes in the gnomAD SV database. Deletion of exon 48 has been reported in the literature in multiple individuals affected with Dystrophinopathies (e.g. Beggs_1991, Sinha_1996, Zimowski_2014, Okubo_2016, Elhawary_2018). These data indicate that the variant is very likely to be associated with disease. One other clinical diagnostic laboratory has submitted clinical-significance assessments for this variant to ClinVar after 2014 without evidence for independent evaluation, citing the variant as pathogenic. Based on the evidence outlined above, the variant was classified as pathogenic.

Literature cited by the submitters: PubMed 2063877; PubMed 29631625; PubMed 26911353; PubMed 9007319; PubMed 25482253.

NC_000023.11:g.(31836820_31875187)_(31875374_31929595)del

Gene: DMD (dystrophin; minus strand). Cytogenetic location: Xp21.1.
Variant type: Deletion.
Identifiers: ClinVar variation 981972 (VCV000981972.2).